The following is an entry in ClinVar:

ClinVar aggregate classification (germline): Uncertain significance (1 of 4 stars; one submission).

Conditions:
PHIP-related disorder. Also called: PHIP-related condition; PHIP-related disorders.

gnomAD v4.1: 5 of 1,601,680 alleles (0.00031%); highest among the groups gnomAD compares: Non-Finnish European, 0.00043%; no homozygotes.

Submission:

PreventionGenetics, part of Exact Sciences
Classification: Uncertain significance for PHIP-related condition. Last evaluated: 2026-04-29. Review status: criteria provided, single submitter. Criteria: ACMG Guidelines, 2015. Collection method: clinical testing. Allele origin: germline.
Comment: The PHIP c.2705T>G variant is predicted to result in the amino acid substitution p.Val902Gly. To our knowledge, this variant has not been reported in the literature. This variant is reported in 0.00094% of alleles in individuals of European (Non-Finnish) descent in gnomAD. At this time, the clinical significance of this variant is uncertain due to the absence of conclusive functional and genetic evidence.

NM_017934.7(PHIP):c.2705T>G (p.Val902Gly)

Gene: PHIP (PHIP subunit of CUL4-Ring ligase complex; minus strand). Cytogenetic location: 6q14.1.
Variant type: single nucleotide variant.
Coding change: c.2705T>G on transcript NM_017934.7 (MANE Select); coding-DNA position 2705, T replaced by G.
Protein change: p.Val902Gly; replaces valine 902 with glycine.
Molecular consequence: missense variant.
Genome position (GRCh38, 1-based): chr6:78,982,950, A>C on the plus strand (T>G on the coding strand, the complement: PHIP is on the minus strand). VCF-style: chr6-78982950-A-C. GRCh37 (hg19) VCF-style: chr6-79692667-A-C.
Other names: short protein forms V902G.
Identifiers: ClinVar variation 4982152 (VCV004982152.1).